The following is an entry in ClinVar:

ClinVar aggregate classification (germline): Uncertain significance. Review status: criteria provided, multiple submitters, no conflicts (2 of 4 stars). 2 submissions from 2 submitters: Uncertain significance (2). Last evaluated 2025-09-25.

Conditions:
Fanconi anemia (FA). Also called: Fanconi's anemia. Identifiers: Orphanet 84, MedGen C0015625, MeSH D005199, MONDO:0019391.
Fanconi anemia complementation group P. Also called: SLX4-Related Fanconi Anemia. Identifiers: Orphanet 84, MedGen C3469542, MONDO:0013499, OMIM 613951.

Allele frequency attached by ClinVar (database versions not stated): ExAC 0.00001; gnomAD 0.00001; gnomAD exomes 0.00001; TOPMed 0.00001.

Submissions (2):

Labcorp Genetics (formerly Invitae), Labcorp
Classification: Uncertain significance for Fanconi anemia. Last evaluated: 2025-09-25. Review status: criteria provided, single submitter. Criteria: Invitae Variant Classification Sherloc (09022015). Collection method: clinical testing. Allele origin: germline.
Comment: This sequence change replaces isoleucine, which is neutral and non-polar, with leucine, which is neutral and non-polar, at codon 1760 of the SLX4 protein (p.Ile1760Leu). This variant is present in population databases (rs377648201, gnomAD 0.002%). This variant has not been reported in the literature in individuals affected with SLX4-related conditions. ClinVar contains an entry for this variant (Variation ID: 1390704). An algorithm developed to predict the effect of missense changes on protein structure and function (PolyPhen-2) suggests that this variant is likely to be tolerated. In summary, the available evidence is currently insufficient to determine the role of this variant in disease. Therefore, it has been classified as a Variant of Uncertain Significance.

Fulgent Genetics
Classification: Uncertain significance for Fanconi anemia complementation group P. Last evaluated: 2024-04-11. Review status: criteria provided, single submitter. Criteria: ACMG Guidelines, 2015. Collection method: clinical testing. Allele origin: germline.

NM_032444.4(SLX4):c.5278A>C (p.Ile1760Leu)

Gene: SLX4 (SLX4 structure-specific endonuclease subunit; minus strand). Cytogenetic location: 16p13.3.
Variant type: single nucleotide variant.
Coding change: c.5278A>C on transcript NM_032444.4 (MANE Select); coding-DNA position 5278, A replaced by C.
Protein change: p.Ile1760Leu; replaces isoleucine 1760 with leucine.
Molecular consequence: missense variant.
Genome position (GRCh38, 1-based): chr16:3,582,569, T>G on the plus strand (A>C on the coding strand, the complement: SLX4 is on the minus strand). VCF-style: chr16-3582569-T-G. GRCh37 (hg19) VCF-style: chr16-3632570-T-G.
Other names: short protein forms I1760L.
Identifiers: ClinVar variation 1390704 (VCV001390704.8), dbSNP rs377648201, ClinGen allele CA7865348.